The following is an entry in ClinVar:

ClinVar aggregate classification (germline): Uncertain significance (1 of 4 stars; one submission).

Allele frequency attached by ClinVar (database versions not stated): TOPMed 0.00001.

Submission:

Labcorp Genetics (formerly Invitae), Labcorp
Classification: Uncertain significance. Last evaluated: 2025-08-26. Review status: criteria provided, single submitter. Criteria: Invitae Variant Classification Sherloc (09022015). Collection method: clinical testing. Allele origin: germline.
Comment: This sequence change replaces aspartic acid, which is acidic and polar, with asparagine, which is neutral and polar, at codon 67 of the NPPC protein (p.Asp67Asn). The frequency data for this variant in the population databases is considered unreliable, as metrics indicate poor data quality at this position in the gnomAD database. This variant has not been reported in the literature in individuals affected with NPPC-related conditions. ClinVar contains an entry for this variant (Variation ID: 2905777). An algorithm developed to predict the effect of missense changes on protein structure and function (PolyPhen-2) suggests that this variant is likely to be disruptive. In summary, the available evidence is currently insufficient to determine the role of this variant in disease. Therefore, it has been classified as a Variant of Uncertain Significance.

NM_024409.4(NPPC):c.199G>A (p.Asp67Asn)

Gene: NPPC (natriuretic peptide C; minus strand). Cytogenetic location: 2q37.1.
Variant type: single nucleotide variant.
Coding change: c.199G>A on transcript NM_024409.4 (MANE Select); coding-DNA position 199, G replaced by A.
Protein change: p.Asp67Asn; replaces aspartic acid 67 with asparagine.
Molecular consequence: missense variant.
Genome position (GRCh38, 1-based): chr2:231,925,607, C>T on the plus strand (G>A on the coding strand, the complement: NPPC is on the minus strand). VCF-style: chr2-231925607-C-T. GRCh37 (hg19) VCF-style: chr2-232790317-C-T.
Other names: short protein forms D67N.
Identifiers: ClinVar variation 2905777 (VCV002905777.3), dbSNP rs910591487, ClinGen allele CA67489344.